The following is an entry in ClinVar:

ClinVar aggregate classification (germline): Uncertain significance. Review status: criteria provided, multiple submitters, no conflicts (2 of 4 stars). 3 submissions from 3 submitters: Uncertain significance (2). 1 of the submissions does not count toward it. Last evaluated 2024-09-13.

Conditions:
Hereditary cancer-predisposing syndrome. Also called: Neoplastic Syndromes, Hereditary; Tumor predisposition; Hereditary Cancer Syndrome; Hereditary neoplastic syndrome. Identifiers: Orphanet 140162, MedGen C0027672, MeSH D009386, MONDO:0015356.
Bloom syndrome (BLM). Also called: Bloom-Torre-Machacek syndrome. Identifiers: Orphanet 125, MedGen C0005859, MONDO:0008876, OMIM 210900.

Submissions (3):

Ambry Genetics
Classification: Uncertain significance for Hereditary cancer-predisposing syndrome. Last evaluated: 2024-09-13. Review status: criteria provided, single submitter. Criteria: Ambry Variant Classification Scheme 2023. Collection method: clinical testing. Allele origin: germline.
Comment: The p.V596I variant (also known as c.1786G>A), located in coding exon 6 of the BLM gene, results from a G to A substitution at nucleotide position 1786. The valine at codon 596 is replaced by isoleucine, an amino acid with highly similar properties. This amino acid position is not well conserved in available vertebrate species. In addition, this alteration is predicted to be tolerated by in silico analysis. Since supporting evidence is limited at this time, the clinical significance of this alteration remains unclear.

Labcorp Genetics (formerly Invitae), Labcorp
Classification: Uncertain significance for Bloom syndrome. Last evaluated: 2023-11-20. Review status: criteria provided, single submitter. Criteria: Invitae Variant Classification Sherloc (09022015). Collection method: clinical testing. Allele origin: germline.
Comment: This sequence change replaces valine, which is neutral and non-polar, with isoleucine, which is neutral and non-polar, at codon 596 of the BLM protein (p.Val596Ile). This variant is not present in population databases (gnomAD no frequency). This variant has not been reported in the literature in individuals affected with BLM-related conditions. ClinVar contains an entry for this variant (Variation ID: 820083). Advanced modeling of protein sequence and biophysical properties (such as structural, functional, and spatial information, amino acid conservation, physicochemical variation, residue mobility, and thermodynamic stability) performed at Invitae indicates that this missense variant is not expected to disrupt BLM protein function with a negative predictive value of 80%. In summary, the available evidence is currently insufficient to determine the role of this variant in disease. Therefore, it has been classified as a Variant of Uncertain Significance.

Natera, Inc.
Classification: Uncertain significance for Bloom syndrome. Last evaluated: 2020-09-16. Review status: no assertion criteria provided. Collection method: clinical testing. Allele origin: germline. Not counted in ClinVar's aggregate classification.

NM_000057.4(BLM):c.1786G>A (p.Val596Ile)

Gene: BLM (BLM RecQ like helicase; plus strand). Cytogenetic location: 15q26.1.
Variant type: single nucleotide variant.
Coding change: c.1786G>A on transcript NM_000057.4 (MANE Select); coding-DNA position 1786, G replaced by A.
Protein change: p.Val596Ile; replaces valine 596 with isoleucine.
Molecular consequence: missense variant.
Genome position (GRCh38, 1-based): chr15:90,761,159, G>A. VCF-style: chr15-90761159-G-A. GRCh37 (hg19) VCF-style: chr15-91304389-G-A.
Other names: c.1786G>A, p.Val596Ile (NM_001287246.2, NM_001287247.2); c.661G>A, p.Val221Ile (NM_001287248.2); short protein forms V596I, V221I.
Identifiers: ClinVar variation 820083 (VCV000820083.9), dbSNP rs1596230556, ClinGen allele CA393843838.
Genomic context (GRCh38, chr15:90,761,159, plus strand): 5'-GCCAGCAAATCTTCCACAGCTGCCTATCAACCCATCAAGGAAGGTCGGCCAATTAAATCA[G>A]TATCAGAAAGACTTTCCTCAGCCAAGACAGACTGTCTTCCAGTGTCATCTACTGCTCAAA-3'
Protein context (NP_000048.1, residues 586-606): PIKEGRPIKS[Val596Ile]SERLSSAKTD